The following is an entry in ClinVar:

ClinVar aggregate classification (germline): Likely benign (1 of 4 stars; one submission).

Submission:

CeGaT Center for Human Genetics Tuebingen
Classification: Likely benign. Last evaluated: 2025-06-01. Review status: criteria provided, single submitter. Criteria: CeGaT Center For Human Genetics Tuebingen Variant Classification Criteria Version 2. Collection method: clinical testing. Allele origin: germline. Affected: yes. Observed: 1 variant allele.
Comment: KRTAP5-3: PM2:Supporting, BP4, BP7

NM_001012708.2(KRTAP5-3):c.564C>T (p.Ser188=)

Gene: KRTAP5-3 (keratin associated protein 5-3; minus strand). Cytogenetic location: 11p15.5.
Variant type: single nucleotide variant.
Coding change: c.564C>T on transcript NM_001012708.2 (MANE Select); coding-DNA position 564, C replaced by T.
Protein change: p.Ser188=; no amino-acid change (serine 188 retained).
Molecular consequence: synonymous variant.
Genome position (GRCh38, 1-based): chr11:1,607,822, G>A on the plus strand (C>T on the coding strand, the complement: KRTAP5-3 is on the minus strand). VCF-style: chr11-1607822-G-A. GRCh37 (hg19) VCF-style: chr11-1629052-G-A.
Identifiers: ClinVar variation 4084715 (VCV004084715.8).